The following is an entry in ClinVar:

NM_025099.6(CTC1):c.599C>T (p.Pro200Leu)

Gene: CTC1 (CST telomere replication complex component 1; minus strand). Cytogenetic location: 17p13.1.
Variant type: single nucleotide variant.
Coding change: c.599C>T on transcript NM_025099.6 (MANE Select); coding-DNA position 599, C replaced by T.
Protein change: p.Pro200Leu; replaces proline 200 with leucine.
Molecular consequence: missense variant. On other transcripts: non-coding transcript variant (1).
Genome position (GRCh38, 1-based): chr17:8,238,079, G>A on the plus strand (C>T on the coding strand, the complement: CTC1 is on the minus strand). VCF-style: chr17-8238079-G-A. GRCh37 (hg19) VCF-style: chr17-8141397-G-A.
Other names: short protein forms P200L.
Identifiers: ClinVar variation 836511 (VCV000836511.8), dbSNP rs1456198284, ClinGen allele CA397992453.
Genomic context (GRCh38, chr17:8,238,079, plus strand): 5'-GGGGGAAATTACCTGAGCCTGAGCAGGCAGGAAGCACTCTCTGGGTAGAGGACAGGGATA[G>A]GCGTGACGGGGCCAGGACTGATGGTCAAAGGAAACACTGGCACAGGGGCATCCCACAGCT-3'
Protein context (NP_079375.3, residues 190-210): PLTISPGPVT[Pro200Leu]IPVLYPESAS

ClinVar aggregate classification (germline): Uncertain significance (1 of 4 stars; one submission).

Conditions:
Dyskeratosis congenita. Identifiers: Orphanet 1775, MedGen C0265965, MONDO:0015780.

Allele frequency attached by ClinVar (database versions not stated): gnomAD exomes below 0.00001 and 0.00001.
gnomAD v4.1: 2 of 1,614,170 alleles (0.00012%); highest among the groups gnomAD compares: Admixed American, 0.0017%; no homozygotes.

Submission:

Labcorp Genetics (formerly Invitae), Labcorp
Classification: Uncertain significance for Dyskeratosis congenita. Last evaluated: 2019-04-16. Review status: criteria provided, single submitter. Criteria: Invitae Variant Classification Sherloc (09022015). Collection method: clinical testing. Allele origin: germline.
Comment: In summary, the available evidence is currently insufficient to determine the role of this variant in disease. Therefore, it has been classified as a Variant of Uncertain Significance. Algorithms developed to predict the effect of missense changes on protein structure and function are either unavailable or do not agree on the potential impact of this missense change (SIFT: "Deleterious"; PolyPhen-2: "Probably Damaging"; Align-GVGD: "Class C0"). This variant has not been reported in the literature in individuals with CTC1-related conditions. This variant is not present in population databases (ExAC no frequency). This sequence change replaces proline with leucine at codon 200 of the CTC1 protein (p.Pro200Leu). The proline residue is highly conserved and there is a moderate physicochemical difference between proline and leucine.